The following is an entry in ClinVar:

NM_138694.4(PKHD1):c.6029del (p.Gln2010fs)

Gene: PKHD1 (PKHD1 ciliary IPT domain containing fibrocystin/polyductin; minus strand). Cytogenetic location: 6p12.2.
Variant type: Deletion.
Coding change: c.6029del on transcript NM_138694.4 (MANE Select); coding-DNA position 6029, one base deleted (A; older notation c.6029delA).
Protein change: p.Gln2010fs; shifts the reading frame from glutamine 2010.
Molecular consequence: frameshift variant.
Genome position (GRCh38, 1-based): chr6:51,934,202, T deleted on the plus strand (A on the coding strand, the reverse complement: PKHD1 is on the minus strand). VCF-style (leftmost placement, unchanged base first): chr6-51934201-CT-C. GRCh37 (hg19) VCF-style: chr6-51798999-CT-C.
Other names: c.6029del, p.Gln2010fs (NM_170724.3); short protein forms Q2010fs.
Identifiers: ClinVar variation 577036 (VCV000577036.9), dbSNP rs1561920869, ClinGen allele CA891842761.

ClinVar aggregate classification (germline): Pathogenic (1 of 4 stars; one submission).

Conditions:
Autosomal recessive polycystic kidney disease (ARPKD). Also called: AR polycystic kidney disease. Identifiers: Orphanet 731, Orphanet 8378, MedGen C0085548, MeSH D017044, MONDO:0009889.

Submission:

Labcorp Genetics (formerly Invitae), Labcorp
Classification: Pathogenic for Autosomal recessive polycystic kidney disease. Last evaluated: 2023-03-03. Review status: criteria provided, single submitter. Criteria: Invitae Variant Classification Sherloc (09022015). Collection method: clinical testing. Allele origin: germline.
Comment: ClinVar contains an entry for this variant (Variation ID: 577036). For these reasons, this variant has been classified as Pathogenic. This premature translational stop signal has been observed in individual(s) with polycystic kidney disease (PMID: 15698423). In at least one individual the data is consistent with being in trans (on the opposite chromosome) from a pathogenic variant. This variant is not present in population databases (gnomAD no frequency). This sequence change creates a premature translational stop signal (p.Gln2010Argfs*23) in the PKHD1 gene. It is expected to result in an absent or disrupted protein product. Loss-of-function variants in PKHD1 are known to be pathogenic (PMID: 19940839).

Literature cited by the submitters: PubMed 15698423; PubMed 19940839.